The following is an entry in ClinVar:

NM_005431.2(XRCC2):c.590C>T (p.Thr197Ile)

Gene: XRCC2 (X-ray repair cross complementing 2; minus strand). Cytogenetic location: 7q36.1.
Variant type: single nucleotide variant.
Coding change: c.590C>T on transcript NM_005431.2 (MANE Select); coding-DNA position 590, C replaced by T.
Protein change: p.Thr197Ile; replaces threonine 197 with isoleucine.
Molecular consequence: missense variant.
Genome position (GRCh38, 1-based): chr7:152,648,895, G>A on the plus strand (C>T on the coding strand, the complement: XRCC2 is on the minus strand). VCF-style: chr7-152648895-G-A. GRCh37 (hg19) VCF-style: chr7-152345980-G-A.
Other names: short protein forms T197I.
Identifiers: ClinVar variation 4202849 (VCV004202849.1).

ClinVar aggregate classification (germline): Uncertain significance (1 of 4 stars; one submission).

Conditions:
Hereditary cancer-predisposing syndrome. Also called: Neoplastic Syndromes, Hereditary; Tumor predisposition; Hereditary Cancer Syndrome; Hereditary neoplastic syndrome. Identifiers: Orphanet 140162, MedGen C0027672, MeSH D009386, MONDO:0015356.

Submission:

Ambry Genetics
Classification: Uncertain significance for Hereditary cancer-predisposing syndrome. Last evaluated: 2025-06-28. Review status: criteria provided, single submitter. Criteria: Ambry Variant Classification Scheme 2023. Collection method: clinical testing. Allele origin: germline.
Comment: The p.T197I variant (also known as c.590C>T), located in coding exon 3 of the XRCC2 gene, results from a C to T substitution at nucleotide position 590. The threonine at codon 197 is replaced by isoleucine, an amino acid with similar properties. This amino acid position is conserved. In addition, this alteration is predicted to be tolerated by in silico analysis. Based on the available evidence, the clinical significance of this variant remains unclear.